The following is an entry in ClinVar:

ClinVar aggregate classification (germline): Uncertain significance (1 of 4 stars; one submission).

Submission:

GeneDx
Classification: Uncertain significance. Last evaluated: 2022-06-16. Review status: criteria provided, single submitter. Criteria: GeneDx Variant Classification Process June 2021. Collection method: clinical testing. Allele origin: germline. Affected: yes.
Comment: Frameshift variant predicted to result in protein truncation or nonsense mediated decay in a gene or region of a gene for which loss of function is not a well-established mechanism of disease; Not observed at significant frequency in large population cohorts (gnomAD); Has not been previously published as pathogenic or benign to our knowledge; Variants in candidate genes are classified as variants of uncertain significance in accordance with ACMG guidelines (Richards et al., 2015)

NM_205836.3(FBXO38):c.2112_2113del (p.Cys704fs)

Gene: FBXO38 (F-box protein 38; plus strand). Cytogenetic location: 5q32.
Variant type: Deletion.
Coding change: c.2112_2113del on transcript NM_205836.3 (MANE Select); coding-DNA positions 2112 to 2113, 2 bases deleted (CA; older notation c.2112_2113delCA).
Protein change: p.Cys704fs; shifts the reading frame from cysteine 704.
Molecular consequence: frameshift variant. On other transcripts: intron variant (1).
Genome position (GRCh38, 1-based): chr5:148,427,406-148,427,407, CA deleted. VCF-style (leftmost placement, unchanged base first): chr5-148427405-GCA-G. GRCh37 (hg19) VCF-style: chr5-147806968-GCA-G.
Other names: c.2112_2113del, p.Cys704fs (NM_030793.5); c.1918+1705_1918+1706del (NM_001271723.2); short protein forms C704fs.
Identifiers: ClinVar variation 3342540 (VCV003342540.1).